The following is an entry in ClinVar:

ClinVar aggregate classification (germline): Pathogenic (1 of 4 stars; one submission).

Conditions:
Myelodysplastic syndrome progressed to acute myeloid leukemia.

Submission:

Hospital of the University of Pennsylvania, Center for Personalized Diagnostics
Classification: Pathogenic for Myelodysplastic syndrome progressed to acute myeloid leukemia. Last evaluated: 2016-01-08. Review status: criteria provided, single submitter. Criteria: Assertion_Criteria_HUP. Collection method: clinical testing. Allele origin: somatic. Affected: yes.
Comment: This is a FLT3 internal tandem duplication(FLT3 ITD) which is associated with poor prognosis in AML with normal cytogenetics.

Literature cited by the submitters: PubMed 22417203.

NM_004119.3(FLT3):c.1773_1793dup (p.Tyr597_Glu598insAspValAspPheArgGluTyr)

Gene: FLT3 (fms related receptor tyrosine kinase 3; minus strand). Cytogenetic location: 13q12.2.
Variant type: Duplication.
Coding change: c.1773_1793dup on transcript NM_004119.3 (MANE Select); coding-DNA positions 1773 to 1793, 21 bases duplicated (CGTTGATTTCAGAGAATATGA).
Protein change: p.Tyr597_Glu598insAspValAspPheArgGluTyr.
Molecular consequence: inframe insertion. On other transcripts: non-coding transcript variant (1).
Genome position (GRCh38, 1-based): chr13:28,034,126-28,034,146, TCATATTCTCTGAAATCAACG duplicated on the plus strand (CGTTGATTTCAGAGAATATGA on the coding strand, the reverse complement: FLT3 is on the minus strand); duplicating any 21 consecutive bases within chr13:28,034,126-28,034,147 gives the same sequence; the c. name uses the placement nearest the transcript's 3' end. VCF-style (leftmost placement, unchanged base first): chr13-28034125-T-TTCATATTCTCTGAAATCAACG. GRCh37 (hg19) VCF-style: chr13-28608262-T-TTCATATTCTCTGAAATCAACG.
Identifiers: ClinVar variation 219096 (VCV000219096.2), dbSNP rs864321619, ClinGen allele CA280930.